The following is an entry in ClinVar:

ClinVar aggregate classification (germline): Conflicting classifications of pathogenicity. Review status: criteria provided, conflicting classifications (1 of 4 stars). 3 submissions from 3 submitters: Uncertain significance (2); Likely benign (1). Last evaluated 2025-11-17.

Conditions:
ADCY10-related disorder. Also called: ADCY10-related condition.

Allele frequency attached by ClinVar (database versions not stated): 1000 Genomes Project 30x 0.00078; 1000 Genomes Project 0.00100.

Submissions (3):

Labcorp Genetics (formerly Invitae), Labcorp
Classification: Uncertain significance. Last evaluated: 2025-11-17. Review status: criteria provided, single submitter. Criteria: Invitae Variant Classification Sherloc (09022015). Collection method: clinical testing. Allele origin: germline.
Comment: This sequence change replaces arginine, which is basic and polar, with proline, which is neutral and non-polar, at codon 968 of the ADCY10 protein (p.Arg968Pro). This variant is present in population databases (rs140892164, gnomAD 0.1%), and has an allele count higher than expected for a pathogenic variant. This variant has not been reported in the literature in individuals affected with ADCY10-related conditions. ClinVar contains an entry for this variant (Variation ID: 1063858). An algorithm developed to predict the effect of missense changes on protein structure and function (PolyPhen-2) suggests that this variant is likely to be disruptive. In summary, the available evidence is currently insufficient to determine the role of this variant in disease. Therefore, it has been classified as a Variant of Uncertain Significance.

PreventionGenetics, part of Exact Sciences
Classification: Likely benign for ADCY10-related condition. Last evaluated: 2025-02-05. Review status: criteria provided, single submitter. Criteria: ACMG Guidelines, 2015. Collection method: clinical testing. Allele origin: germline.
Comment: This variant is classified as likely benign based on ACMG/AMP sequence variant interpretation guidelines (Richards et al. 2015 PMID: 25741868, with internal and published modifications).

Breakthrough Genomics
Classification: Uncertain significance. Review status: criteria provided, single submitter. Criteria: ACMG Guidelines, 2015. Collection method: not provided. Allele origin: germline. Inheritance: Autosomal dominant inheritance. Affected: yes.

NM_018417.6(ADCY10):c.2903G>C (p.Arg968Pro)

Gene: ADCY10 (adenylate cyclase 10; minus strand). Cytogenetic location: 1q24.2.
Variant type: single nucleotide variant.
Coding change: c.2903G>C on transcript NM_018417.6 (MANE Select); coding-DNA position 2903, G replaced by C.
Protein change: p.Arg968Pro; replaces arginine 968 with proline.
Molecular consequence: missense variant.
Genome position (GRCh38, 1-based): chr1:167,845,667, C>G on the plus strand (G>C on the coding strand, the complement: ADCY10 is on the minus strand). VCF-style: chr1-167845667-C-G. GRCh37 (hg19) VCF-style: chr1-167814905-C-G.
Other names: c.2444G>C, p.Arg815Pro (NM_001167749.3); c.2903G>C (NM_018417.5); c.2627G>C, p.Arg876Pro (NM_001297772.2); short protein forms R815P, R876P, R968P.
Identifiers: ClinVar variation 1063858 (VCV001063858.7), dbSNP rs140892164, ClinGen allele CA1227532.